The following is an entry in ClinVar:

NM_001142800.2(EYS):c.7296T>A (p.Tyr2432Ter)

Gene: EYS (EGF-like photoreceptor maintenance factor; minus strand). Cytogenetic location: 6q12.
Variant type: single nucleotide variant.
Coding change: c.7296T>A on transcript NM_001142800.2 (MANE Select); coding-DNA position 7296, T replaced by A.
Protein change: p.Tyr2432Ter; replaces tyrosine 2432 with a stop codon.
Molecular consequence: nonsense.
Genome position (GRCh38, 1-based): chr6:63,806,305, A>T on the plus strand (T>A on the coding strand, the complement: EYS is on the minus strand). VCF-style: chr6-63806305-A-T. GRCh37 (hg19) VCF-style: chr6-64516198-A-T.
Other names: c.7296T>A, p.Tyr2432Ter (NM_001292009.2); short protein forms Y2432*.
Identifiers: ClinVar variation 2100506 (VCV002100506.7), dbSNP rs1342009710, ClinGen allele CA364387898.
Genomic context (GRCh38, chr6:63,806,305, plus strand): 5'-GTTTGCCAGCTGAAACTTCAGGTGGAATTCATAATGGAAGCTGATGTCTGAGATCCGTGA[A>T]TAAGCCAGGAATGAGGTGTATCCAAAGGCATCTGTGCCACTGAACCTTGGCTGAGTAATA-3'

ClinVar aggregate classification (germline): Pathogenic/Likely pathogenic. Review status: criteria provided, multiple submitters, no conflicts (2 of 4 stars). 2 submissions from 2 submitters: Pathogenic (1); Likely pathogenic (1). Last evaluated 2022-04-05.

Conditions:
Retinitis pigmentosa 25 (RP25). Identifiers: Orphanet 791, MedGen C1864446, MONDO:0011272, OMIM 602772.

Submissions (2):

Revvity Omics, Revvity
Classification: Likely pathogenic for Retinitis pigmentosa 25. Last evaluated: 2022-04-05. Review status: criteria provided, single submitter. Criteria: ACMG Guidelines, 2015. Collection method: clinical testing. Allele origin: germline.

Labcorp Genetics (formerly Invitae), Labcorp
Classification: Pathogenic. Last evaluated: 2022-03-29. Review status: criteria provided, single submitter. Criteria: Invitae Variant Classification Sherloc (09022015). Collection method: clinical testing. Allele origin: germline.
Comment: For these reasons, this variant has been classified as Pathogenic. Algorithms developed to predict the effect of sequence changes on RNA splicing suggest that this variant may disrupt the consensus splice site. This variant has not been reported in the literature in individuals affected with EYS-related conditions. This variant is not present in population databases (gnomAD no frequency). This sequence change creates a premature translational stop signal (p.Tyr2432*) in the EYS gene. It is expected to result in an absent or disrupted protein product. Loss-of-function variants in EYS are known to be pathogenic (PMID: 18836446, 20333770).

Literature cited by the submitters: PubMed 18836446 (cited by Labcorp Genetics (formerly Invitae), Labcorp); PubMed 20333770 (cited by Labcorp Genetics (formerly Invitae), Labcorp).